The following is an entry in ClinVar:

NM_018896.5(CACNA1G):c.4163C>T (p.Pro1388Leu)

Gene: CACNA1G (calcium voltage-gated channel subunit alpha1 G; plus strand). Cytogenetic location: 17q21.33.
Variant type: single nucleotide variant.
Coding change: c.4163C>T on transcript NM_018896.5 (MANE Select); coding-DNA position 4163, C replaced by T.
Protein change: p.Pro1388Leu; replaces proline 1388 with leucine.
Molecular consequence: missense variant. On other transcripts: non-coding transcript variant (5).
Genome position (GRCh38, 1-based): chr17:50,603,193, C>T. VCF-style: chr17-50603193-C-T. GRCh37 (hg19) VCF-style: chr17-48680554-C-T.
Other names: c.4163C>T, p.Pro1388Leu (NM_001256324.2, NM_001256325.2, NM_001256326.2 and 16 more transcripts); c.4094C>T, p.Pro1365Leu (NM_001256332.2, NM_198376.3, NM_198379.3 and 5 more transcripts); short protein forms P1365L, P1388L.
Identifiers: ClinVar variation 1698221 (VCV001698221.7), dbSNP rs1434017478, ClinGen allele CA400256102.

ClinVar aggregate classification (germline): Uncertain significance. Review status: criteria provided, multiple submitters, no conflicts (2 of 4 stars). 2 submissions from 2 submitters: Uncertain significance (2). Last evaluated 2022-05-29.

Allele frequency attached by ClinVar (database versions not stated): gnomAD exomes below 0.00001.
gnomAD v4.1: 4 of 1,602,508 alleles (0.00025%); highest among the groups gnomAD compares: Non-Finnish European, 0.00034%; no homozygotes.

Submissions (2):

Labcorp Genetics (formerly Invitae), Labcorp
Classification: Uncertain significance. Last evaluated: 2022-05-29. Review status: criteria provided, single submitter. Criteria: Invitae Variant Classification Sherloc (09022015). Collection method: clinical testing. Allele origin: germline.
Comment: This sequence change replaces proline, which is neutral and non-polar, with leucine, which is neutral and non-polar, at codon 1388 of the CACNA1G protein (p.Pro1388Leu). This variant is present in population databases (no rsID available, gnomAD 0.0009%). This variant has not been reported in the literature in individuals affected with CACNA1G-related conditions. Advanced modeling of protein sequence and biophysical properties (such as structural, functional, and spatial information, amino acid conservation, physicochemical variation, residue mobility, and thermodynamic stability) performed at Invitae indicates that this missense variant is expected to disrupt CACNA1G protein function. In summary, the available evidence is currently insufficient to determine the role of this variant in disease. Therefore, it has been classified as a Variant of Uncertain Significance.

GeneDx
Classification: Uncertain significance. Last evaluated: 2022-01-24. Review status: criteria provided, single submitter. Criteria: GeneDx Variant Classification Process June 2021. Collection method: clinical testing. Allele origin: germline. Affected: yes.
Comment: Not observed at significant frequency in large population cohorts (gnomAD); In silico analysis supports that this missense variant has a deleterious effect on protein structure/function; Has not been previously published as pathogenic or benign to our knowledge